The following is an entry in ClinVar:

ClinVar aggregate classification (germline): Conflicting classifications of pathogenicity. Review status: criteria provided, conflicting classifications (1 of 4 stars). 3 submissions from 3 submitters: Uncertain significance (1); Likely benign (2). Last evaluated 2025-03-27.

Conditions:
Hyperphosphatasia with impaired intellectual development syndrome 2. Also called: GLYCOSYLPHOSPHATIDYLINOSITOL BIOSYNTHESIS DEFECT 6; Hyperphosphatasia with intellectual disability syndrome 2. Identifiers: Orphanet 247262, MedGen C3553637, MONDO:0013882, OMIM 614749.

gnomAD v4.1: 8 of 1,614,218 alleles (0.0005%); highest among the groups gnomAD compares: Admixed American, 0.0017%; no homozygotes.

Submissions (3):

Labcorp Genetics (formerly Invitae), Labcorp
Classification: Likely benign for Hyperphosphatasia with impaired intellectual development syndrome 2. Last evaluated: 2025-03-27. Review status: criteria provided, single submitter. Criteria: Invitae Variant Classification Sherloc (09022015). Collection method: clinical testing. Allele origin: germline.

GeneDx
Classification: Likely benign. Last evaluated: 2018-02-22. Review status: criteria provided, single submitter. Criteria: GeneDx Variant Classification (06012015). Collection method: clinical testing. Allele origin: germline. Affected: yes.
Comment: This variant is considered likely benign or benign based on one or more of the following criteria: it is a conservative change, it occurs at a poorly conserved position in the protein, it is predicted to be benign by multiple in silico algorithms, and/or has population frequency not consistent with disease.

Illumina Laboratory Services, Illumina
Classification: Uncertain significance for Hyperphosphatasia with impaired intellectual development syndrome 2. Last evaluated: 2018-01-12. Review status: criteria provided, single submitter. Criteria: ICSL Variant Classification Criteria 13 December 2019. Collection method: clinical testing. Allele origin: germline.

NM_032634.4(PIGO):c.387C>A (p.Thr129=)

Gene: PIGO (phosphatidylinositol glycan anchor biosynthesis class O; minus strand). Cytogenetic location: 9p13.3.
Variant type: single nucleotide variant.
Coding change: c.387C>A on transcript NM_032634.4 (MANE Select); coding-DNA position 387, C replaced by A.
Protein change: p.Thr129=; no amino-acid change (threonine 129 retained).
Molecular consequence: synonymous variant.
Genome position (GRCh38, 1-based): chr9:35,095,179, G>T on the plus strand (C>A on the coding strand, the complement: PIGO is on the minus strand). VCF-style: chr9-35095179-G-T. GRCh37 (hg19) VCF-style: chr9-35095176-G-T.
Other names: c.387C>A, p.Thr129= (NM_001201484.2, NM_152850.4).
Identifiers: ClinVar variation 515661 (VCV000515661.8), dbSNP rs765968784, ClinGen allele CA5040954.